The following is an entry in ClinVar:

ClinVar aggregate classification (germline): Benign/Likely benign. Review status: criteria provided, multiple submitters, no conflicts (2 of 4 stars). 4 submissions from 4 submitters: Benign (1); Likely benign (2). 1 of the submissions does not count toward it. Last evaluated 2026-07-01.

Conditions:
HUWE1-related disorder. Also called: HUWE1-related condition.
Inborn genetic diseases. Identifiers: MedGen C0950123, MeSH D030342.

Allele frequency attached by ClinVar (database versions not stated): ESP Exome Variant Server 0.00009; gnomAD 0.00009; ExAC 0.00010; TOPMed 0.00022.
gnomAD v4.1: 37 of 1,209,810 alleles (0.0031%); highest among the groups gnomAD compares: African/African-American, 0.04%; no homozygotes.

Submissions (4):

CeGaT Center for Human Genetics Tuebingen
Classification: Likely benign. Last evaluated: 2026-07-01. Review status: criteria provided, single submitter. Criteria: CeGaT Center For Human Genetics Tuebingen Variant Classification Criteria Version 2. Collection method: clinical testing. Allele origin: germline. Affected: yes. Observed: 2 variant alleles.
Comment: HUWE1: PP2, BS2

Labcorp Genetics (formerly Invitae), Labcorp
Classification: Benign. Last evaluated: 2024-12-24. Review status: criteria provided, single submitter. Criteria: Invitae Variant Classification Sherloc (09022015). Collection method: clinical testing. Allele origin: germline.

Ambry Genetics
Classification: Likely benign for Inborn genetic diseases. Last evaluated: 2017-05-31. Review status: criteria provided, single submitter. Criteria: Ambry Variant Classification Scheme 2023. Collection method: clinical testing. Allele origin: germline.

PreventionGenetics, part of Exact Sciences
Classification: Likely benign for HUWE1-related condition. Last evaluated: 2023-06-14. Review status: no assertion criteria provided. Collection method: clinical testing. Allele origin: germline. Not counted in ClinVar's aggregate classification.
Comment: This variant is classified as likely benign based on ACMG/AMP sequence variant interpretation guidelines (Richards et al. 2015 PMID: 25741868, with internal and published modifications).

NM_031407.7(HUWE1):c.9920G>C (p.Gly3307Ala)

Gene: HUWE1 (HECT, UBA and WWE domain containing E3 ubiquitin protein ligase 1; minus strand). Cytogenetic location: Xp11.22.
Variant type: single nucleotide variant.
Coding change: c.9920G>C on transcript NM_031407.7 (MANE Select); coding-DNA position 9920, G replaced by C.
Protein change: p.Gly3307Ala; replaces glycine 3307 with alanine.
Molecular consequence: missense variant.
Genome position (GRCh38, 1-based): chrX:53,549,074, C>G on the plus strand (G>C on the coding strand, the complement: HUWE1 is on the minus strand). VCF-style: chrX-53549074-C-G. GRCh37 (hg19) VCF-style: chrX-53576035-C-G.
Other names: c.9920G>C (NM_031407.6); short protein forms G3307A.
Identifiers: ClinVar variation 589180 (VCV000589180.14), dbSNP rs148122817, ClinGen allele CA10421609.
Genomic context (GRCh38, chrX:53,549,074, plus strand): 5'-TGGGGATGGATGTGGACGGTGGAGCCACCGCTTGCATGCTTCTCGGTATGTTTACGCCCC[C>G]CTGAACGCTGGATCTGAAATATATTAGTCCTGCAGCCTAGGGCTGCATCCATGGATACTG-3'
Protein context (NP_113584.3, residues 3297-3317): RTNIFQIQRS[Gly3307Ala]GRKHTEKHAS